The following is an entry in ClinVar:

ClinVar aggregate classification (germline): Uncertain significance (1 of 4 stars; one submission).

Conditions:
Peripheral neuropathy. Also called: Neuropathy. Identifiers: MedGen C0031117, MONDO:0005244, HP:0009830.

Allele frequency attached by ClinVar (database versions not stated): ExAC 0.00001; gnomAD exomes 0.00002.
gnomAD v4.1: 12 of 1,613,828 alleles (0.00074%); highest among the groups gnomAD compares: East Asian, 0.0022%; no homozygotes.

Submission:

Labcorp Genetics (formerly Invitae), Labcorp
Classification: Uncertain significance for Peripheral neuropathy. Last evaluated: 2017-09-30. Review status: criteria provided, single submitter. Criteria: Invitae Variant Classification Sherloc (09022015). Collection method: clinical testing. Allele origin: germline.
Comment: This sequence change replaces alanine with threonine at codon 77 of the FLRT1 protein (p.Ala77Thr). The alanine residue is moderately conserved and there is a small physicochemical difference between alanine and threonine. This variant is present in population databases (rs770193280, ExAC 0.02%). This variant has not been reported in the literature in individuals with FLRT1-related disease. Algorithms developed to predict the effect of missense changes on protein structure and function output the following: SIFT: "Tolerated"; PolyPhen-2: "Benign"; Align-GVGD: "Class C0". The threonine amino acid residue is found in multiple mammalian species, suggesting that this missense change does not adversely affect protein function. These predictions have not been confirmed by published functional studies and their clinical significance is uncertain. In summary, the available evidence is currently insufficient to determine the role of this variant in disease. Therefore, it has been classified as a Variant of Uncertain Significance.

NM_013280.5(FLRT1):c.229G>A (p.Ala77Thr)

Genes: FLRT1 (fibronectin leucine rich transmembrane protein 1; plus strand), MACROD1 (mono-ADP ribosylhydrolase 1; minus strand). Cytogenetic location: 11q13.1.
Variant type: single nucleotide variant.
Coding change: c.229G>A on transcript NM_013280.5 (MANE Select); coding-DNA position 229, G replaced by A.
Protein change: p.Ala77Thr; replaces alanine 77 with threonine.
Molecular consequence: missense variant. On other transcripts: intron variant (2).
Genome position (GRCh38, 1-based): chr11:64,116,496, G>A. VCF-style: chr11-64116496-G-A. GRCh37 (hg19) VCF-style: chr11-63883968-G-A.
Other names: c.229G>A, p.Ala77Thr (NM_001384466.1); c.145G>A, p.Ala49Thr (NM_001423967.1); c.517+34743C>T (NM_001411019.1, NM_014067.4); short protein forms A77T, A49T.
Identifiers: ClinVar variation 530937 (VCV000530937.8), dbSNP rs770193280, ClinGen allele CA6067442.